The following is an entry in ClinVar:

ClinVar aggregate classification (germline): Uncertain significance (1 of 4 stars; one submission).

Conditions:
Catecholaminergic polymorphic ventricular tachycardia 1. Also called: VENTRICULAR TACHYCARDIA, CATECHOLAMINERGIC POLYMORPHIC, 1, WITH OR WITHOUT ATRIAL DYSFUNCTION AND/OR DILATED CARDIOMYOPATHY; VENTRICULAR TACHYCARDIA, STRESS-INDUCED POLYMORPHIC 1; RYR2-Related Catecholaminergic Polymorphic Ventricular Tachycardia. Identifiers: Orphanet 3286, MedGen C1631597, MONDO:0011484, OMIM 604772.

Submission:

Labcorp Genetics (formerly Invitae), Labcorp
Classification: Uncertain significance for Catecholaminergic polymorphic ventricular tachycardia 1. Last evaluated: 2019-12-19. Review status: criteria provided, single submitter. Criteria: Invitae Variant Classification Sherloc (09022015). Collection method: clinical testing. Allele origin: germline.
Comment: In summary, the available evidence is currently insufficient to determine the role of this variant in disease. Therefore, it has been classified as a Variant of Uncertain Significance. Algorithms developed to predict the effect of missense changes on protein structure and function are either unavailable or do not agree on the potential impact of this missense change (SIFT: "Tolerated"; PolyPhen-2: "Probably Damaging"; Align-GVGD: "Class C0"). This variant has not been reported in the literature in individuals with RYR2-related conditions. This variant is not present in population databases (ExAC no frequency). This sequence change replaces glycine with arginine at codon 4711 of the RYR2 protein (p.Gly4711Arg). The glycine residue is highly conserved and there is a moderate physicochemical difference between glycine and arginine.

NM_001035.3(RYR2):c.14131G>A (p.Gly4711Arg)

Gene: RYR2 (ryanodine receptor 2; plus strand). Cytogenetic location: 1q43.
Variant type: single nucleotide variant.
Coding change: c.14131G>A on transcript NM_001035.3 (MANE Select); coding-DNA position 14131, G replaced by A.
Protein change: p.Gly4711Arg; replaces glycine 4711 with arginine.
Molecular consequence: missense variant.
Genome position (GRCh38, 1-based): chr1:237,801,896, G>A. VCF-style: chr1-237801896-G-A. GRCh37 (hg19) VCF-style: chr1-237965196-G-A.
Other names: short protein forms G4711R.
Identifiers: ClinVar variation 860217 (VCV000860217.49), dbSNP rs1660019000, ClinGen allele CA345421194.
Genomic context (GRCh38, chr1:237,801,896, plus strand): 5'-TTTTTTTTTTGTCATTGCAGACTGAACTCCATTGATGTGAAGTATCAGATGTGGAAACTA[G>A]GAGTCGTTTTCACTGACAACGTAAGCCTACTTCATTATCACAAAAGAAAATGCACTCTGA-3'
Protein context (NP_001026.2, residues 4701-4721): IDVKYQMWKL[Gly4711Arg]VVFTDNSFLY